The following is an entry in ClinVar:

ClinVar aggregate classification (germline): Uncertain significance. Review status: criteria provided, multiple submitters, no conflicts (2 of 4 stars). 2 submissions from 2 submitters: Uncertain significance (2). Last evaluated 2025-08-20.

Conditions:
Inborn genetic diseases. Identifiers: MedGen C0950123, MeSH D030342.

Allele frequency attached by ClinVar (database versions not stated): gnomAD 0.00001; gnomAD exomes 0.00001 and 0.00003; TOPMed 0.00001; ExAC 0.00002; ESP Exome Variant Server 0.00008.
gnomAD v4.1: 47 of 1,613,804 alleles (0.0029%); highest among the groups gnomAD compares: Non-Finnish European, 0.0038%; no homozygotes.

Submissions (2):

Ambry Genetics
Classification: Uncertain significance for Inborn genetic diseases. Last evaluated: 2025-08-20. Review status: criteria provided, single submitter. Criteria: Ambry Variant Classification Scheme 2023. Collection method: clinical testing. Allele origin: germline.

GeneDx
Classification: Uncertain significance. Last evaluated: 2021-04-28. Review status: criteria provided, single submitter. Criteria: GeneDx Variant Classification Process June 2021. Collection method: clinical testing. Allele origin: germline. Affected: yes.
Comment: Missense variants in this gene are often considered pathogenic (Stenson et al., 2014); In silico analysis supports that this missense variant does not alter protein structure/function; Has not been previously published as pathogenic or benign to our knowledge

NM_001003800.2(BICD2):c.1351G>A (p.Glu451Lys)

Gene: BICD2 (BICD cargo adaptor 2; minus strand). Cytogenetic location: 9q22.31.
Variant type: single nucleotide variant.
Coding change: c.1351G>A on transcript NM_001003800.2 (MANE Select); coding-DNA position 1351, G replaced by A.
Protein change: p.Glu451Lys; replaces glutamic acid 451 with lysine.
Molecular consequence: missense variant.
Genome position (GRCh38, 1-based): chr9:92,719,294, C>T on the plus strand (G>A on the coding strand, the complement: BICD2 is on the minus strand). VCF-style: chr9-92719294-C-T. GRCh37 (hg19) VCF-style: chr9-95481576-C-T.
Other names: c.1351G>A, p.Glu451Lys (NM_015250.4); short protein forms E451K.
Identifiers: ClinVar variation 1314908 (VCV001314908.3), dbSNP rs150965296, ClinGen allele CA5126578.